The following is an entry in ClinVar:

NM_002457.5(MUC2):c.11754C>A (p.Thr3918=)

Gene: MUC2 (mucin 2, oligomeric mucus/gel-forming; plus strand). Cytogenetic location: 11p15.5.
Variant type: single nucleotide variant.
Coding change: c.11754C>A on transcript NM_002457.5 (MANE Select); coding-DNA position 11754, C replaced by A.
Protein change: p.Thr3918=; no amino-acid change (threonine 3918 retained).
Molecular consequence: synonymous variant.
Genome position (GRCh38, 1-based): chr11:1,099,088, C>A. VCF-style: chr11-1099088-C-A. GRCh37 (hg19) VCF-style: chr11-1092996-C-A.
Identifiers: ClinVar variation 2641135 (VCV002641135.24), dbSNP rs61724525, ClinGen allele CA5799906.

ClinVar aggregate classification (germline): Likely benign (1 of 4 stars; one submission).

Allele frequency attached by ClinVar (database versions not stated): ExAC 0.00091.

Submission:

CeGaT Center for Human Genetics Tuebingen
Classification: Likely benign. Last evaluated: 2023-08-01. Review status: criteria provided, single submitter. Criteria: CeGaT Center For Human Genetics Tuebingen Variant Classification Criteria Version 2. Collection method: clinical testing. Allele origin: germline. Affected: yes. Observed: 3 variant alleles.
Comment: MUC2: BP4, BP7